The following is an entry in ClinVar:

ClinVar aggregate classification (germline): Uncertain significance (1 of 4 stars; one submission).

Submission:

Labcorp Genetics (formerly Invitae), Labcorp
Classification: Uncertain significance. Last evaluated: 2021-08-16. Review status: criteria provided, single submitter. Criteria: Invitae Variant Classification Sherloc (09022015). Collection method: clinical testing. Allele origin: germline.
Comment: In summary, the available evidence is currently insufficient to determine the role of this variant in disease. Therefore, it has been classified as a Variant of Uncertain Significance. Algorithms developed to predict the effect of missense changes on protein structure and function are either unavailable or do not agree on the potential impact of this missense change (SIFT: "Deleterious"; PolyPhen-2: "Benign"; Align-GVGD: "Class C65"). This variant has not been reported in the literature in individuals affected with DYM-related conditions. This variant is not present in population databases (ExAC no frequency). This sequence change replaces glycine with cysteine at codon 267 of the DYM protein (p.Gly267Cys). The glycine residue is highly conserved and there is a large physicochemical difference between glycine and cysteine.

NM_001353214.3(DYM):c.799G>T (p.Gly267Cys)

Gene: DYM (dymeclin; minus strand). Cytogenetic location: 18q21.1.
Variant type: single nucleotide variant.
Coding change: c.799G>T on transcript NM_001353214.3 (MANE Select); coding-DNA position 799, G replaced by T.
Protein change: p.Gly267Cys; replaces glycine 267 with cysteine.
Molecular consequence: missense variant. On other transcripts: intron variant (1).
Genome position (GRCh38, 1-based): chr18:49,286,581, C>A on the plus strand (G>T on the coding strand, the complement: DYM is on the minus strand). VCF-style: chr18-49286581-C-A. GRCh37 (hg19) VCF-style: chr18-46812951-C-A.
Other names: c.796G>T, p.Gly266Cys (NM_001353210.3, NM_001353211.3, NM_001353212.3 and 3 more transcripts); c.799G>T, p.Gly267Cys (NM_001353215.3, NM_001353216.3, NM_001374428.1 and 5 more transcripts); c.793G>T, p.Gly265Cys (NM_001374429.1, NM_001374439.1); c.673G>T, p.Gly225Cys (NM_001374432.1, NM_001374436.1); c.571G>T, p.Gly191Cys (NM_001374440.1); c.229G>T, p.Gly77Cys (NM_001374441.1, NM_001374442.1, NM_001374444.1); c.226G>T, p.Gly76Cys (NM_001374443.1); c.764-4406G>T (NM_001374437.1); short protein forms G76C, G225C, G267C, G77C, G191C, G265C, G266C.
Identifiers: ClinVar variation 1429864 (VCV001429864.6), dbSNP rs777977076, ClinGen allele CA402508616.